The following is an entry in ClinVar:

NM_003107.3(SOX4):c.30C>A (p.Asn10Lys)

Gene: SOX4 (SRY-box transcription factor 4; plus strand). Cytogenetic location: 6p22.3.
Variant type: single nucleotide variant.
Coding change: c.30C>A on transcript NM_003107.3 (MANE Select); coding-DNA position 30, C replaced by A.
Protein change: p.Asn10Lys; replaces asparagine 10 with lysine.
Molecular consequence: missense variant.
Genome position (GRCh38, 1-based): chr6:21,594,564, C>A. VCF-style: chr6-21594564-C-A. GRCh37 (hg19) VCF-style: chr6-21594795-C-A.
Other names: short protein forms N10K.
Identifiers: ClinVar variation 4986495 (VCV004986495.1).
Genomic context (GRCh38, chr6:21,594,564, plus strand): 5'-AGCGCGCGTGGGCGCCCGCCGAGCCGAGGCCATGGTGCAGCAAACCAACAATGCCGAGAA[C>A]ACGGAAGCGCTGCTGGCCGGCGAGAGCTCGGACTCGGGCGCCGGCCTCGAGCTGGGAATC-3'
Protein context (NP_003098.1, residues 1-20): MVQQTNNAE[Asn10Lys]TEALLAGESS

ClinVar aggregate classification (germline): Uncertain significance (1 of 4 stars; one submission).

Conditions:
SOX4-related disorder. Also called: SOX4-related condition.

Submission:

PreventionGenetics, part of Exact Sciences
Classification: Uncertain significance for SOX4-related condition. Last evaluated: 2025-03-05. Review status: criteria provided, single submitter. Criteria: ACMG Guidelines, 2015. Collection method: clinical testing. Allele origin: germline.
Comment: The SOX4 c.30C>A variant is predicted to result in the amino acid substitution p.Asn10Lys. To our knowledge, this variant has not been reported in the literature or in a large population database (gnomAD), indicating this variant is rare. At this time, the clinical significance of this variant is uncertain due to the absence of conclusive functional and genetic evidence.